The following is an entry in ClinVar:

ClinVar aggregate classification (germline): Benign (1 of 4 stars; one submission).

Allele frequency attached by ClinVar (database versions not stated): TOPMed 0.94005; gnomAD 0.94467 and 0.94857; 1000 Genomes Project 30x 0.94503; 1000 Genomes Project 0.94848.
gnomAD v4.1: 141,488 of 149,146 alleles (95%); highest among the groups gnomAD compares: East Asian, 100%; 67,431 homozygotes.

Submission:

GeneDx
Classification: Benign. Last evaluated: 2018-06-14. Review status: criteria provided, single submitter. Criteria: GeneDx Variant Classification (06012015). Collection method: clinical testing. Allele origin: germline. Affected: yes.
Comment: This variant is considered likely benign or benign based on one or more of the following criteria: it is a conservative change, it occurs at a poorly conserved position in the protein, it is predicted to be benign by multiple in silico algorithms, and/or has population frequency not consistent with disease.

NM_144670.6(A2ML1):c.643+280C>G

Gene: A2ML1 (alpha-2-macroglobulin like 1; plus strand). Cytogenetic location: 12p13.31.
Variant type: single nucleotide variant.
Coding change: c.643+280C>G on transcript NM_144670.6 (MANE Select); 280 bases into the intron after coding-DNA position 643, C replaced by G.
Molecular consequence: intron variant.
Genome position (GRCh38, 1-based): chr12:8,835,946, C>G. VCF-style: chr12-8835946-C-G. GRCh37 (hg19) VCF-style: chr12-8988542-C-G.
Identifiers: ClinVar variation 561807 (VCV000561807.1), dbSNP rs10743503, ClinGen allele CA13733312.